The following is an entry in ClinVar:

NM_000243.3(MEFV):c.74A>C (p.Lys25Thr)

Gene: MEFV (MEFV innate immunity regulator, pyrin; minus strand). Cytogenetic location: 16p13.3.
Variant type: single nucleotide variant.
Coding change: c.74A>C on transcript NM_000243.3 (MANE Select); coding-DNA position 74, A replaced by C.
Protein change: p.Lys25Thr; replaces lysine 25 with threonine.
Molecular consequence: missense variant.
Genome position (GRCh38, 1-based): chr16:3,256,514, T>G on the plus strand (A>C on the coding strand, the complement: MEFV is on the minus strand). VCF-style: chr16-3256514-T-G. GRCh37 (hg19) VCF-style: chr16-3306514-T-G.
Other names: c.74A>C, p.Lys25Thr (NM_001198536.2); short protein forms K25T.
Identifiers: ClinVar variation 2921035 (VCV002921035.1), dbSNP rs924530771, ClinGen allele CA276904559.

ClinVar aggregate classification (germline): Uncertain significance (1 of 4 stars; one submission).

Allele frequency attached by ClinVar (database versions not stated): gnomAD 0.00002.
gnomAD v4.1: 10 of 1,614,072 alleles (0.00062%); highest among the groups gnomAD compares: Non-Finnish European, 0.00068%; no homozygotes.

Submission:

ARUP Laboratories, Molecular Genetics and Genomics, ARUP Laboratories
Classification: Uncertain significance. Last evaluated: 2023-08-29. Review status: criteria provided, single submitter. Criteria: ARUP Molecular Germline Variant Investigation Process 2024. Collection method: clinical testing. Allele origin: germline.
Comment: The MEFV c.74A>C; p.Lys25Thr variant (rs924530771), to our knowledge, is not reported in the medical literature or gene specific databases. This variant is found in the Finnish European population with an allele frequency of 0.01% (3/25122 alleles) in the Genome Aggregation Database. Computational analyses are uncertain whether this variant is neutral or deleterious (REVEL: 0.639). Due to limited information, the clinical significance of this variant is uncertain at this time.